The following is an entry in ClinVar:

ClinVar aggregate classification (germline): Uncertain significance (1 of 4 stars; one submission).

gnomAD v4.1: 2 of 1,614,274 alleles (0.00012%); highest among the groups gnomAD compares: South Asian, 0.0022%; no homozygotes.

Submission:

Labcorp Genetics (formerly Invitae), Labcorp
Classification: Uncertain significance. Last evaluated: 2024-02-25. Review status: criteria provided, single submitter. Criteria: Invitae Variant Classification Sherloc (09022015). Collection method: clinical testing. Allele origin: germline.
Comment: This sequence change replaces histidine, which is basic and polar, with glutamine, which is neutral and polar, at codon 171 of the EDN3 protein (p.His171Gln). This variant is present in population databases (no rsID available, gnomAD 0.006%). This variant has not been reported in the literature in individuals affected with EDN3-related conditions. Algorithms developed to predict the effect of missense changes on protein structure and function output the following: SIFT: "Not Available"; PolyPhen-2: "Benign"; Align-GVGD: "Not Available". The glutamine amino acid residue is found in multiple mammalian species, which suggests that this missense change does not adversely affect protein function. In summary, the available evidence is currently insufficient to determine the role of this variant in disease. Therefore, it has been classified as a Variant of Uncertain Significance.

NM_207034.3(EDN3):c.513C>A (p.His171Gln)

Gene: EDN3 (endothelin 3; plus strand). Cytogenetic location: 20q13.32.
Variant type: single nucleotide variant.
Coding change: c.513C>A on transcript NM_207034.3 (MANE Select); coding-DNA position 513, C replaced by A.
Protein change: p.His171Gln; replaces histidine 171 with glutamine.
Molecular consequence: missense variant.
Genome position (GRCh38, 1-based): chr20:59,321,164, C>A. VCF-style: chr20-59321164-C-A. GRCh37 (hg19) VCF-style: chr20-57896219-C-A.
Other names: c.513C>A, p.His171Gln (NM_001302455.2, NM_001302456.2, NM_001424361.1 and 4 more transcripts); short protein forms H171Q.
Identifiers: ClinVar variation 3643307 (VCV003643307.2).